The following is an entry in ClinVar:

NM_002435.3(MPI):c.662C>G (p.Ser221Cys)

Gene: MPI (mannose phosphate isomerase; plus strand). Cytogenetic location: 15q24.1.
Variant type: single nucleotide variant.
Coding change: c.662C>G on transcript NM_002435.3 (MANE Select); coding-DNA position 662, C replaced by G.
Protein change: p.Ser221Cys; replaces serine 221 with cysteine.
Molecular consequence: missense variant. On other transcripts: intron variant (1).
Genome position (GRCh38, 1-based): chr15:74,893,312, C>G. VCF-style: chr15-74893312-C-G. GRCh37 (hg19) VCF-style: chr15-75185653-C-G.
Other names: c.662C>G, p.Ser221Cys (NM_001289155.2); c.512C>G, p.Ser171Cys (NM_001289156.2); c.602C>G, p.Ser201Cys (NM_001330372.2); c.487+510C>G (NM_001289157.2); short protein forms S221C, S171C, S201C.
Identifiers: ClinVar variation 449206 (VCV000449206.9), dbSNP rs760911969, ClinGen allele CA7662485.

ClinVar aggregate classification (germline): Uncertain significance. Review status: criteria provided, multiple submitters, no conflicts (2 of 4 stars). 4 submissions from 4 submitters: Uncertain significance (3). 1 of the submissions does not count toward it. Last evaluated 2025-11-01.

Conditions:
MPI-congenital disorder of glycosylation. Also called: PROTEIN-LOSING ENTEROPATHY-HEPATIC FIBROSIS SYNDROME; MPI DEFICIENCY; CONGENITAL DISORDER OF GLYCOSYLATION, TYPE Ib; CDG Ib; MANNOSEPHOSPHATE ISOMERASE DEFICIENCY; MPI-CDG. Identifiers: Orphanet 79319, MedGen C1865145, MONDO:0011257, OMIM 602579.

Allele frequency attached by ClinVar (database versions not stated): gnomAD exomes 0.00002; ExAC 0.00003; gnomAD 0.00010.
gnomAD v4.1: 35 of 1,614,090 alleles (0.0022%); highest among the groups gnomAD compares: Middle Eastern, 0.016%; no homozygotes.

Submissions (4):

Medical Molecular Genetics, National Research Centre
Classification: Uncertain significance for MPI-congenital disorder of glycosylation. Last evaluated: 2025-11-01. Review status: criteria provided, single submitter. Criteria: ACMG Guidelines, 2015. Collection method: research. Allele origin: inherited. Affected: yes.

Labcorp Genetics (formerly Invitae), Labcorp
Classification: Uncertain significance for MPI-congenital disorder of glycosylation. Last evaluated: 2021-09-24. Review status: criteria provided, single submitter. Criteria: Invitae Variant Classification Sherloc (09022015). Collection method: clinical testing. Allele origin: germline.
Comment: This variant is present in population databases (rs760911969, ExAC 0.006%). Algorithms developed to predict the effect of missense changes on protein structure and function are either unavailable or do not agree on the potential impact of this missense change (SIFT: "Deleterious"; PolyPhen-2: "Probably Damaging"; Align-GVGD: "Class C0"). In summary, the available evidence is currently insufficient to determine the role of this variant in disease. Therefore, it has been classified as a Variant of Uncertain Significance.

GeneDx
Classification: Uncertain significance. Last evaluated: 2017-10-23. Review status: criteria provided, single submitter. Criteria: GeneDx Variant Classification (06012015). Collection method: clinical testing. Allele origin: germline. Affected: yes.
Comment: The S221C variant in the MPI gene has not been published as a pathogenic variant, nor has it been reported as a benign variant to our knowledge. The S221C variant is observed in 9/125862 (0.0071%) alleles from individuals of non-Finnish European background in large population cohorts (Lek et al., 2016). The S221C variant is a non-conservative amino acid substitution, which occurs at a position where amino acids with similar properties to Serine are tolerated across species. In silico analysis predicts this variant is probably damaging to the protein structure/function. A missense variant in a nearby residue (R219Q) has been reported in the Human Gene Mutation Database in association with congenital disorder of glycosylation type Ib (Stenson et al., 2014), supporting the functional importance of this region of the protein. We interpret S221C as a variant of uncertain significance.

Natera, Inc.
Classification: Uncertain significance for Congenital disorder of glycosylation type 1b. Last evaluated: 2019-10-28. Review status: no assertion criteria provided. Collection method: clinical testing. Allele origin: germline. Not counted in ClinVar's aggregate classification.